The following is an entry in ClinVar:

NM_000218.3(KCNQ1):c.1393+30175C>A

Genes: KCNQ1 (potassium voltage-gated channel subfamily Q member 1; plus strand), KCNQ1OT1 (KCNQ1 opposite strand/antisense transcript 1; minus strand). Cytogenetic location: 11p15.5.
Variant type: single nucleotide variant.
Coding change: c.1393+30175C>A on transcript NM_000218.3 (MANE Select); 30175 bases into the intron after coding-DNA position 1393, C replaced by A.
Molecular consequence: intron variant. On other transcripts: non-coding transcript variant (1).
Genome position (GRCh38, 1-based): chr11:2,619,029, C>A. VCF-style: chr11-2619029-C-A. GRCh37 (hg19) VCF-style: chr11-2640259-C-A.
Other names: c.1123+30175C>A (NM_001406837.1); c.1297+30175C>A (NM_001406836.1); c.853+30175C>A (NM_001406838.1); c.1012+30175C>A (NM_181798.2).
Identifiers: ClinVar variation 2641378 (VCV002641378.24), dbSNP rs189564113, ClinGen allele CA216361318.

ClinVar aggregate classification (germline): Benign (1 of 4 stars; one submission).

Allele frequency attached by ClinVar (database versions not stated): gnomAD 0.00013; 1000 Genomes Project 0.00020; TOPMed 0.00020; 1000 Genomes Project 30x 0.00031.
gnomAD v4.1: 55 of 398,318 alleles (0.014%); highest among the groups gnomAD compares: East Asian, 0.18%; no homozygotes.

Submission:

CeGaT Center for Human Genetics Tuebingen
Classification: Benign. Last evaluated: 2022-10-01. Review status: criteria provided, single submitter. Criteria: CeGaT Center For Human Genetics Tuebingen Variant Classification Criteria Version 2. Collection method: clinical testing. Allele origin: germline. Affected: yes. Observed: 1 variant allele.
Comment: KCNQ1OT1: BS1, BS2